The following is an entry in ClinVar:

NM_006949.4(STXBP2):c.568C>T (p.Arg190Cys)

Gene: STXBP2 (syntaxin binding protein 2; plus strand). Cytogenetic location: 19p13.2.
Variant type: single nucleotide variant.
Coding change: c.568C>T on transcript NM_006949.4 (MANE Select); coding-DNA position 568, C replaced by T.
Protein change: p.Arg190Cys; replaces arginine 190 with cysteine.
Molecular consequence: missense variant. On other transcripts: non-coding transcript variant (1).
Genome position (GRCh38, 1-based): chr19:7,641,843, C>T. VCF-style: chr19-7641843-C-T. GRCh37 (hg19) VCF-style: chr19-7706729-C-T.
Other names: p.Arg190Cys; c.559C>T, p.Arg187Cys (NM_001127396.3); c.601C>T, p.Arg201Cys (NM_001272034.2); short protein forms R190C, R187C, R201C.
Identifiers: ClinVar variation 417965 (VCV000417965.69), dbSNP rs370053399, ClinGen allele CA9143686.

ClinVar aggregate classification (germline): Conflicting classifications of pathogenicity. Review status: criteria provided, conflicting classifications (1 of 4 stars). 11 submissions from 11 submitters: Uncertain significance (7); Likely benign (2). 2 of the submissions do not count toward it. Last evaluated 2026-07-07.

Conditions:
STXBP2-related disorder. Also called: STXBP2-related condition.
Familial hemophagocytic lymphohistiocytosis 5. Also called: STXBP2-Related Familial Hemophagocytic Lymphohistiocytosis (STXBP2-fHLH). Identifiers: Orphanet 540, MedGen C2751293, MONDO:0013135, OMIM 613101.

Allele frequency attached by ClinVar (database versions not stated): 1000 Genomes Project 30x 0.00016; 1000 Genomes Project 0.00020; ESP Exome Variant Server 0.00024; TOPMed 0.00035; gnomAD 0.00040 and 0.00041; gnomAD exomes 0.00048; ExAC 0.00067.
gnomAD v4.1: 822 of 1,554,922 alleles (0.053%); highest among the groups gnomAD compares: Non-Finnish European, 0.06%; no homozygotes.

Submissions (11):

PreventionGenetics, part of Exact Sciences
Classification: Likely benign for STXBP2-related condition. Last evaluated: 2026-07-07. Review status: criteria provided, single submitter. Criteria: ACMG Guidelines, 2015. Collection method: clinical testing. Allele origin: germline.
Comment: This variant is classified as likely benign based on ACMG/AMP sequence variant interpretation guidelines (Richards et al. 2015 PMID: 25741868, with internal and published modifications).

Labcorp Genetics (formerly Invitae), Labcorp
Classification: Likely benign for Familial hemophagocytic lymphohistiocytosis 5. Last evaluated: 2026-01-30. Review status: criteria provided, single submitter. Criteria: Invitae Variant Classification Sherloc (09022015). Collection method: clinical testing. Allele origin: germline.

Mayo Clinic Laboratories, Mayo Clinic
Classification: Uncertain significance. Last evaluated: 2025-11-06. Review status: criteria provided, single submitter. Criteria: ACMG Guidelines, 2015. Collection method: clinical testing. Allele origin: germline. Observed: 1 variant allele.
Comment: BS1, PP3, PS3_supporting

Blueprint Genetics
Classification: Uncertain significance. Last evaluated: 2024-11-13. Review status: criteria provided, single submitter. Criteria: ACMG Guidelines, 2015. Collection method: clinical testing. Allele origin: germline.

Women's Health and Genetics/Laboratory Corporation of America, LabCorp
Classification: Uncertain significance. Last evaluated: 2024-03-19. Review status: criteria provided, single submitter. Criteria: LabCorp Variant Classification Summary - May 2015. Collection method: clinical testing. Allele origin: germline.
Comment: Variant summary: STXBP2 c.568C>T (p.Arg190Cys) results in a non-conservative amino acid change in the encoded protein sequence. Five of five in-silico tools predict a damaging effect of the variant on protein function. The variant allele was found at a frequency of 0.00048 in 157426 control chromosomes (gnomAD). This frequency is not significantly higher than estimated for a pathogenic variant in STXBP2 causing Familial Hemophagocytic Lymphohistiocytosis (0.00048 vs 0.0022), allowing no conclusion about variant significance. c.568C>T has been reported in the literature in heterozygous individuals affected with Familial Hemophagocytic Lymphohistiocytosis (e.g. Zhang_2014, Benavides_2020, Vinas-Gimenez_2021), and some were reported to also have variants in other genes. These reports do not provide unequivocal conclusions about association of the variant with Familial Hemophagocytic Lymphohistiocytosis. Publications report experimental evidence evaluating an impact on protein function, finding that the variant results in diminished degranulation and target cell apoptosis (Benavides_2020, Vinas-Gimenez_2021). However, this does not allow convincing conclusions about the variant effect. The following publications have been ascertained in the context of this evaluation (PMID: 24916509, 33162974, 34630398, 31286990, 37477760). ClinVar contains an entry for this variant (Variation ID: 417965). Based on the evidence outlined above, the variant was classified as uncertain significance.

Center for Genomics, Ann and Robert H. Lurie Children's Hospital of Chicago
Classification: Uncertain significance for Familial hemophagocytic lymphohistiocytosis 5. Last evaluated: 2021-03-30. Review status: criteria provided, single submitter. Criteria: ACMG Guidelines, 2015. Collection method: clinical testing. Allele origin: germline.
Comment: STXBP2 NM_006949 exon 7 p.Arg190Cys (c.568C>T): This variant has been reported in the literature in 1 individual with hemophagocytic lymphohistiocytosis as a double heterozygote (Zhang 2014 PMID:24916509). This variant is present in 0.2% (21/8488) of Ashkenazi Jewish alleles in the Genome Aggregation Database. This variant is present in ClinVar (Variation ID:404841). Evolutionary conservation and computational predictive tools suggest that this variant may impact the protein. In summary, data on this variant is insufficient for disease classification. Therefore, the clinical significance of this variant is uncertain.

Eurofins Ntd Llc (ga)
Classification: Uncertain significance. Last evaluated: 2018-06-11. Review status: criteria provided, single submitter. Criteria: EGL ClinVar v180209 classification definitions. Collection method: clinical testing. Allele origin: germline. Observed: 1 variant allele, 1 heterozygote.

CeGaT Center for Human Genetics Tuebingen
Classification: Uncertain significance. Last evaluated: 2017-12-01. Review status: criteria provided, single submitter. Criteria: CeGaT Center For Human Genetics Tuebingen Variant Classification Criteria Version 2. Collection method: clinical testing. Allele origin: germline. Affected: yes. Observed: 1 variant allele.

Illumina Laboratory Services, Illumina
Classification: Uncertain significance for Familial hemophagocytic lymphohistiocytosis 5. Last evaluated: 2017-05-26. Review status: criteria provided, single submitter. Criteria: ICSL Variant Classification Criteria 13 December 2019. Collection method: clinical testing. Allele origin: germline.
Comment: This variant was observed as part of a predisposition screen in an ostensibly healthy population. A literature search was performed for the gene, cDNA change, and amino acid change (where applicable). Publications were found based on this search. However, the evidence from the literature, in combination with allele frequency data from public databases where available, was not sufficient to rule this variant in or out of causing disease. Therefore, this variant is classified as a variant of unknown significance.

Division of Human Genetics, Children's Hospital of Philadelphia
Classification: Uncertain significance for Familial hemophagocytic lymphohistiocytosis 5. Last evaluated: 2016-05-28. Review status: no assertion criteria provided. Collection method: research. Allele origin: maternal. Affected: yes. Study: CSER-PediSeq. Not counted in ClinVar's aggregate classification.

GeneReviews
No classification provided. Condition: Familial hemophagocytic lymphohistiocytosis 5. Review status: no classification provided. Collection method: literature only. Allele origin: germline. Not counted in ClinVar's aggregate classification.
Comment: Dominant-negative variant assoc w/fHLH in 1 infant [Benavides et al 2020]

Literature cited by the submitters: PubMed 24916509 (cited by 3 submitters); PubMed 31286990 (cited by Mayo Clinic Laboratories, Mayo Clinic and Women's Health and Genetics/Laboratory Corporation of America, LabCorp); PubMed 33162974 (cited by 3 submitters); PubMed 34630398 (cited by Mayo Clinic Laboratories, Mayo Clinic and Women's Health and Genetics/Laboratory Corporation of America, LabCorp); PubMed 37477760 (cited by Mayo Clinic Laboratories, Mayo Clinic and Women's Health and Genetics/Laboratory Corporation of America, LabCorp).